The following is an entry in ClinVar:

ClinVar aggregate classification (germline): Benign. Review status: criteria provided, multiple submitters, no conflicts (2 of 4 stars). 8 submissions from 8 submitters: Benign (6). 2 of the submissions do not count toward it. Last evaluated 2026-02-03.

Conditions:
Progressive myoclonic epilepsy. Also called: Familial progressive myoclonic epilepsy; Myoclonic Epilepsies, Progressive; Myoclonus epilepsy; Progressive myoclonus epilepsy. Identifiers: Orphanet 308, Orphanet 98261, MedGen C0751778, MONDO:0020074.
Progressive myoclonic epilepsy type 5. Identifiers: Orphanet 402082, MedGen C5190799.

Allele frequency attached by ClinVar (database versions not stated): 1000 Genomes Project 30x 0.98142; 1000 Genomes Project 0.98383; ESP Exome Variant Server 0.98447; TOPMed 0.98483; gnomAD 0.98545 and 0.98631; ExAC 0.99453; gnomAD exomes 0.99512 and 0.99643.
gnomAD v4.1: 1,606,483 of 1,613,902 alleles (100%); highest among the groups gnomAD compares: East Asian, 100%; 799,631 homozygotes.

Submissions (8):

Labcorp Genetics (formerly Invitae), Labcorp
Classification: Benign for Progressive myoclonic epilepsy type 5. Last evaluated: 2026-02-03. Review status: criteria provided, single submitter. Criteria: Invitae Variant Classification Sherloc (09022015). Collection method: clinical testing. Allele origin: germline.

Athena Diagnostics
Classification: Benign. Last evaluated: 2018-05-03. Review status: criteria provided, single submitter. Criteria: Athena Diagnostics Criteria. Collection method: clinical testing. Allele origin: germline.

Eurofins Ntd Llc (ga)
Classification: Benign. Last evaluated: 2018-04-20. Review status: criteria provided, single submitter. Criteria: EGL ClinVar v180209 classification definitions. Collection method: clinical testing. Allele origin: germline. Observed: 2 variant alleles, 2 homozygotes.

Illumina Laboratory Services, Illumina
Classification: Benign for Progressive myoclonic epilepsy. Last evaluated: 2018-01-13. Review status: criteria provided, single submitter. Criteria: ICSL Variant Classification Criteria 13 December 2019. Collection method: clinical testing. Allele origin: germline.
Comment: This variant was observed in the ICSL laboratory as part of a predisposition screen in an ostensibly healthy population. It had not been previously curated by ICSL or reported in the Human Gene Mutation Database (HGMD: prior to June 1st, 2018), and was therefore a candidate for classification through an automated scoring system. Utilizing variant allele frequency, disease prevalence and penetrance estimates, and inheritance mode, an automated score was calculated to assess if this variant is too frequent to cause the disease. Based on the score and internal cut-off values, a variant classified as benign is not then subjected to further curation. The score for this variant resulted in a classification of benign for this disease.

Genome Diagnostics Laboratory, University Medical Center Utrecht
Classification: Benign for Sensory ataxic neuropathy, dysarthria, and ophthalmoparesis. Last evaluated: 2016-11-11. Review status: criteria provided, single submitter. Criteria: ACGS Guidelines, 2013. Collection method: clinical testing. Allele origin: germline. Affected: yes. Study: VKGL Data-share Consensus.

Breakthrough Genomics
Classification: Benign. Review status: criteria provided, single submitter. Criteria: ACMG Guidelines, 2015. Collection method: not provided. Allele origin: germline. Inheritance: Unknown mechanism. Affected: yes.

Diagnostic Laboratory, Department of Genetics, University Medical Center Groningen
Classification: Benign for Sensory ataxic neuropathy, dysarthria, and ophthalmoparesis. Review status: no assertion criteria provided. Collection method: clinical testing. Allele origin: germline. Affected: yes. Study: VKGL Data-share Consensus. Not counted in ClinVar's aggregate classification.

Genetic Services Laboratory, University of Chicago
Classification: Likely benign for AllHighlyPenetrant. Review status: no assertion criteria provided. Collection method: clinical testing. Allele origin: germline. Inheritance: Autosomal dominant inheritance. Not counted in ClinVar's aggregate classification.
Comment: Likely benign based on allele frequency in 1000 Genomes Project or ESP global frequency and its presence in a patient with a rare or unrelated disease phenotype. NOT Sanger confirmed.

NM_198859.4(PRICKLE2):c.816T>C (p.Asp272=)

Gene: PRICKLE2 (prickle planar cell polarity protein 2; minus strand). Cytogenetic location: 3p14.1.
Variant type: single nucleotide variant.
Coding change: c.816T>C on transcript NM_198859.4 (MANE Select); coding-DNA position 816, T replaced by C.
Protein change: p.Asp272=; no amino-acid change (aspartic acid 272 retained).
Molecular consequence: synonymous variant.
Genome position (GRCh38, 1-based): chr3:64,147,674, A>G on the plus strand (T>C on the coding strand, the complement: PRICKLE2 is on the minus strand). VCF-style: chr3-64147674-A-G. GRCh37 (hg19) VCF-style: chr3-64133350-A-G.
Other names: c.816T>C, p.Asp272= (NM_001370528.1).
Identifiers: ClinVar variation 130137 (VCV000130137.23), dbSNP rs27673, ClinGen allele CA154933.